The following is an entry in ClinVar:

ClinVar aggregate classification (germline): Uncertain significance (1 of 4 stars; one submission).

Submission:

Labcorp Genetics (formerly Invitae), Labcorp
Classification: Uncertain significance. Last evaluated: 2022-03-11. Review status: criteria provided, single submitter. Criteria: Invitae Variant Classification Sherloc (09022015). Collection method: clinical testing. Allele origin: germline.
Comment: Algorithms developed to predict the effect of sequence changes on RNA splicing suggest that this variant may disrupt the consensus splice site. Algorithms developed to predict the effect of missense changes on protein structure and function (SIFT, PolyPhen-2, Align-GVGD) all suggest that this variant is likely to be disruptive. This variant has not been reported in the literature in individuals affected with GPR143-related conditions. This variant is not present in population databases (gnomAD no frequency). This sequence change replaces glutamic acid, which is acidic and polar, with lysine, which is basic and polar, at codon 264 of the GPR143 protein (p.Glu264Lys). In summary, the available evidence is currently insufficient to determine the role of this variant in disease. Therefore, it has been classified as a Variant of Uncertain Significance.

NM_000273.3(GPR143):c.790G>A (p.Glu264Lys)

Gene: GPR143 (G protein-coupled receptor 143; minus strand). Cytogenetic location: Xp22.2.
Variant type: single nucleotide variant.
Coding change: c.790G>A on transcript NM_000273.3 (MANE Select); coding-DNA position 790, G replaced by A.
Protein change: p.Glu264Lys; replaces glutamic acid 264 with lysine.
Molecular consequence: missense variant.
Genome position (GRCh38, 1-based): chrX:9,741,433, C>T on the plus strand (G>A on the coding strand, the complement: GPR143 is on the minus strand). VCF-style: chrX-9741433-C-T. GRCh37 (hg19) VCF-style: chrX-9709473-C-T.
Other names: short protein forms E264K.
Identifiers: ClinVar variation 2109214 (VCV002109214.4), dbSNP rs2518624882, ClinGen allele CA411996140.
Genomic context (GRCh38, chrX:9,741,433, plus strand): 5'-CAGGTTTCAAAGAACCTCCATTGATATCTGTTTGCATCTCAAGATAGAATAAAAGGCTTT[C>T]ATTGATGATATTCGACAACCAACTGTTAGAAAGAAAATGGCAGCAGGTAAAGAGAACATG-3'
Protein context (NP_000264.2, residues 254-274): IICWLSNIIN[Glu264Lys]SLLFYLEMQT